The following is an entry in ClinVar:

NM_000237.3(LPL):c.858T>G (p.Ser286Arg)

Gene: LPL (lipoprotein lipase; plus strand). Cytogenetic location: 8p21.3.
Variant type: single nucleotide variant.
Coding change: c.858T>G on transcript NM_000237.3 (MANE Select); coding-DNA position 858, T replaced by G.
Protein change: p.Ser286Arg; replaces serine 286 with arginine.
Molecular consequence: missense variant.
Genome position (GRCh38, 1-based): chr8:19,955,923, T>G. VCF-style: chr8-19955923-T-G. GRCh37 (hg19) VCF-style: chr8-19813434-T-G.
Other names: short protein forms S286R.
Identifiers: ClinVar variation 3691103 (VCV003691103.2).
Genomic context (GRCh38, chr8:19,955,923, plus strand): 5'-CTCCCACGAGCGCTCCATTCATCTCTTCATCGACTCTCTGTTGAATGAAGAAAATCCAAG[T>G]AAGGCCTACAGGTGCAGTTCCAAGGAAGCCTTTGAGAAAGGGCTCTGCTTGAGTTGTAGA-3'
Protein context (NP_000228.1, residues 276-296): IDSLLNEENP[Ser286Arg]KAYRCSSKEA

ClinVar aggregate classification (germline): Pathogenic (1 of 4 stars; one submission).

Submission:

Labcorp Genetics (formerly Invitae), Labcorp
Classification: Pathogenic. Last evaluated: 2024-02-19. Review status: criteria provided, single submitter. Criteria: Invitae Variant Classification Sherloc (09022015). Collection method: clinical testing. Allele origin: germline.
Comment: This sequence change replaces serine, which is neutral and polar, with arginine, which is basic and polar, at codon 286 of the LPL protein (p.Ser286Arg). This variant is not present in population databases (gnomAD no frequency). This missense change has been observed in individual(s) with chylomicronemia (PMID: 9298816, 25966443, 26104879). This variant is also known as p.Ser259Arg. Advanced modeling of protein sequence and biophysical properties (such as structural, functional, and spatial information, amino acid conservation, physicochemical variation, residue mobility, and thermodynamic stability) performed at Invitae indicates that this missense variant is expected to disrupt LPL protein function with a positive predictive value of 80%. This variant disrupts the p.Ser286 amino acid residue in LPL. Other variant(s) that disrupt this residue have been determined to be pathogenic (PMID: 9298816, 10660334). This suggests that this residue is clinically significant, and that variants that disrupt this residue are likely to be disease-causing. For these reasons, this variant has been classified as Pathogenic.

Literature cited by the submitters: PubMed 9298816; PubMed 25966443; PubMed 26104879; PubMed 10660334.